The following is an entry in ClinVar:

NM_014415.4(ZBTB11):c.1509T>C (p.Tyr503=)

Gene: ZBTB11 (zinc finger and BTB domain containing 11; minus strand). Cytogenetic location: 3q12.3.
Variant type: single nucleotide variant.
Coding change: c.1509T>C on transcript NM_014415.4 (MANE Select); coding-DNA position 1509, T replaced by C.
Protein change: p.Tyr503=; no amino-acid change (tyrosine 503 retained).
Molecular consequence: synonymous variant.
Genome position (GRCh38, 1-based): chr3:101,665,078, A>G on the plus strand (T>C on the coding strand, the complement: ZBTB11 is on the minus strand). VCF-style: chr3-101665078-A-G. GRCh37 (hg19) VCF-style: chr3-101383922-A-G.
Identifiers: ClinVar variation 3898193 (VCV003898193.7).
Genomic context (GRCh38, chr3:101,665,078, plus strand): 5'-TCCCTTGTGTAGTCGAATATATGCCCCTTCATTAACAGAACGTTGTCGAAGCCTGCTTCT[A>G]TAAGTATCATCATCAGGGCCAAAGTCTGTCTTTGCTGTTGATGCAACTAGATTTTCCTGA-3'
Protein context (NP_055230.2, residues 493-513): KTDFGPDDDT[Tyr503=]RSRLRQRSVN

ClinVar aggregate classification (germline): Likely benign (1 of 4 stars; one submission).

gnomAD v4.1: 169 of 1,614,070 alleles (0.01%); highest among the groups gnomAD compares: Admixed American, 0.065%; no homozygotes.

Submission:

CeGaT Center for Human Genetics Tuebingen
Classification: Likely benign. Last evaluated: 2025-04-01. Review status: criteria provided, single submitter. Criteria: CeGaT Center For Human Genetics Tuebingen Variant Classification Criteria Version 2. Collection method: clinical testing. Allele origin: germline. Affected: yes. Observed: 1 variant allele.
Comment: ZBTB11: BP4, BP7